The following is an entry in ClinVar:

NM_004329.3(BMPR1A):c.664C>A (p.Leu222Ile)

Gene: BMPR1A (bone morphogenetic protein receptor type 1A; plus strand). Cytogenetic location: 10q23.2.
Variant type: single nucleotide variant.
Coding change: c.664C>A on transcript NM_004329.3 (MANE Select); coding-DNA position 664, C replaced by A.
Protein change: p.Leu222Ile; replaces leucine 222 with isoleucine.
Molecular consequence: missense variant. On other transcripts: non-coding transcript variant (3), intron variant (1).
Genome position (GRCh38, 1-based): chr10:86,912,373, C>A. VCF-style: chr10-86912373-C-A. GRCh37 (hg19) VCF-style: chr10-88672130-C-A.
Other names: c.739C>A, p.Leu247Ile (NM_001406559.1); c.712C>A, p.Leu238Ile (NM_001406560.1); c.664C>A, p.Leu222Ile (NM_001406561.1, NM_001406562.1, NM_001406563.1 and 20 more transcripts); c.580C>A, p.Leu194Ile (NM_001406584.1, NM_001406585.1, NM_001406586.1 and 2 more transcripts); c.334-4761C>A (NM_001406589.1); short protein forms L247I, L194I, L222I, L238I.
Identifiers: ClinVar variation 5032964 (VCV005032964.1).

ClinVar aggregate classification (germline): Uncertain significance (1 of 4 stars; one submission).

Conditions:
Hereditary cancer-predisposing syndrome. Also called: Neoplastic Syndromes, Hereditary; Tumor predisposition; Hereditary neoplastic syndrome; Hereditary Cancer Syndrome. Identifiers: Orphanet 140162, MedGen C0027672, MeSH D009386, MONDO:0015356.

Submission:

Ambry Genetics
Classification: Uncertain significance for Hereditary cancer-predisposing syndrome. Last evaluated: 2026-07-06. Review status: criteria provided, single submitter. Criteria: Ambry Variant Classification Scheme 2023. Collection method: clinical testing. Allele origin: germline.
Comment: The p.L222I variant (also known as c.664C>A), located in coding exon 6 of the BMPR1A gene, results from a C to A substitution at nucleotide position 664. The leucine at codon 222 is replaced by isoleucine, an amino acid with highly similar properties. This amino acid position is conserved. In addition, the in silico prediction for this alteration is inconclusive. Based on the available evidence, the clinical significance of this variant remains unclear.